The following is an entry in ClinVar:

ClinVar aggregate classification (germline): Uncertain significance. Review status: criteria provided, multiple submitters, no conflicts (2 of 4 stars). 2 submissions from 2 submitters: Uncertain significance (2). Last evaluated 2026-06-16.

Conditions:
Inborn genetic diseases. Identifiers: MedGen C0950123, MeSH D030342.

Allele frequency attached by ClinVar (database versions not stated): TOPMed 0.00002; gnomAD exomes below 0.00001.
gnomAD v4.1: 1 of 1,613,940 alleles (0.000062%); highest among the groups gnomAD compares: African/African-American, 0.0013%; no homozygotes.

Submissions (2):

Ambry Genetics
Classification: Uncertain significance for Inborn genetic diseases. Last evaluated: 2026-06-16. Review status: criteria provided, single submitter. Criteria: Ambry Variant Classification Scheme 2023. Collection method: clinical testing. Allele origin: germline.
Comment: The p.E295G variant (also known as c.884A>G), located in coding exon 4 of the FANCM gene, results from an A to G substitution at nucleotide position 884. The glutamic acid at codon 295 is replaced by glycine, an amino acid with similar properties. This amino acid position is conserved. In addition, this alteration is predicted to be tolerated by in silico analysis. Based on the available evidence, the clinical significance of this variant remains unclear.

GeneDx
Classification: Uncertain significance. Last evaluated: 2021-06-17. Review status: criteria provided, single submitter. Criteria: GeneDx Variant Classification Process June 2021. Collection method: clinical testing. Allele origin: germline. Affected: yes.
Comment: Not observed at significant frequency in large population cohorts (Lek 2016); In silico analysis supports that this missense variant has a deleterious effect on protein structure/function; Has not been previously published as pathogenic or benign to our knowledge; This variant is associated with the following publications: (PMID: 27535533)

NM_020937.4(FANCM):c.884A>G (p.Glu295Gly)

Gene: FANCM (FA complementation group M; plus strand). Cytogenetic location: 14q21.2.
Variant type: single nucleotide variant.
Coding change: c.884A>G on transcript NM_020937.4 (MANE Select); coding-DNA position 884, A replaced by G.
Protein change: p.Glu295Gly; replaces glutamic acid 295 with glycine.
Molecular consequence: missense variant.
Genome position (GRCh38, 1-based): chr14:45,148,961, A>G. VCF-style: chr14-45148961-A-G. GRCh37 (hg19) VCF-style: chr14-45618164-A-G.
Other names: c.884A>G, p.Glu295Gly (NM_001308134.2); c.806A>G, p.Glu269Gly (NM_001308133.2); short protein forms E269G, E295G.
Identifiers: ClinVar variation 1328865 (VCV001328865.3), dbSNP rs1436017801, ClinGen allele CA389590166.